The following is an entry in ClinVar:

ClinVar aggregate classification (germline): Conflicting classifications of pathogenicity. Review status: criteria provided, conflicting classifications (1 of 4 stars). 4 submissions from 4 submitters: Uncertain significance (3); Likely benign (1). Last evaluated 2026-07-28.

Conditions:
Cardiovascular phenotype. Identifiers: MedGen CN230736.
Cardiomyopathy (CMYO). Also called: Cardiomyopathies. Identifiers: Orphanet 167848, MedGen C0878544, MONDO:0004994, HP:0001638. Inheritance: Various modes of inheritance.
Arrhythmogenic cardiomyopathy with wooly hair and keratoderma. Also called: Carvajal syndrome; PALMOPLANTAR KERATODERMA WITH LEFT VENTRICULAR CARDIOMYOPATHY AND WOOLLY HAIR; Dilated cardiomyopathy with woolly hair and keratoderma; Arrhythmogenic cardiomyopathy with woolly hair and keratoderma. Identifiers: Orphanet 65282, MedGen C1854063, MONDO:0011581, OMIM 605676.
Arrhythmogenic right ventricular dysplasia 8 (ARVD8). Also called: Arrhythmogenic Right Ventricular Dysplasia/Cardiomyopathy 8; ARRHYTHMOGENIC RIGHT VENTRICULAR DYSPLASIA, FAMILIAL, 8; ARRHYTHMOGENIC RIGHT VENTRICULAR CARDIOMYOPATHY 8. Identifiers: MedGen C1843896, MONDO:0011831, OMIM 607450.

Allele frequency attached by ClinVar (database versions not stated): TOPMed below 0.00001; ExAC 0.00001; gnomAD exomes below 0.00001.
gnomAD v4.1: 7 of 1,614,184 alleles (0.00043%); highest among the groups gnomAD compares: Non-Finnish European, 0.00051%; no homozygotes.

Submissions (4):

Ambry Genetics
Classification: Uncertain significance for Cardiovascular phenotype. Last evaluated: 2026-07-28. Review status: criteria provided, single submitter. Criteria: Ambry Variant Classification Scheme 2023. Collection method: clinical testing. Allele origin: germline.

Labcorp Genetics (formerly Invitae), Labcorp
Classification: Uncertain significance for Arrhythmogenic cardiomyopathy with wooly hair and keratoderma; Arrhythmogenic right ventricular dysplasia 8. Last evaluated: 2025-09-14. Review status: criteria provided, single submitter. Criteria: Invitae Variant Classification Sherloc (09022015). Collection method: clinical testing. Allele origin: germline.
Comment: This sequence change replaces aspartic acid, which is acidic and polar, with asparagine, which is neutral and polar, at codon 802 of the DSP protein (p.Asp802Asn). This variant is present in population databases (rs770105310, gnomAD 0.0009%). This variant has not been reported in the literature in individuals affected with DSP-related conditions. ClinVar contains an entry for this variant (Variation ID: 357944). An algorithm developed to predict the effect of missense changes on protein structure and function (PolyPhen-2) suggests that this variant is likely to be disruptive. In summary, the available evidence is currently insufficient to determine the role of this variant in disease. Therefore, it has been classified as a Variant of Uncertain Significance.

Color Diagnostics, LLC DBA Color Health
Classification: Likely benign for Cardiomyopathy. Last evaluated: 2025-07-10. Review status: criteria provided, single submitter. Criteria: ACMG Guidelines, 2015. Collection method: clinical testing. Allele origin: germline.

Women's Health and Genetics/Laboratory Corporation of America, LabCorp
Classification: Uncertain significance. Last evaluated: 2022-04-17. Review status: criteria provided, single submitter. Criteria: LabCorp Variant Classification Summary - May 2015. Collection method: clinical testing. Allele origin: germline.

NM_004415.4(DSP):c.2404G>A (p.Asp802Asn)

Gene: DSP (desmoplakin; plus strand). Cytogenetic location: 6p24.3.
Variant type: single nucleotide variant.
Coding change: c.2404G>A on transcript NM_004415.4 (MANE Select); coding-DNA position 2404, G replaced by A.
Protein change: p.Asp802Asn; replaces aspartic acid 802 with asparagine.
Molecular consequence: missense variant.
Genome position (GRCh38, 1-based): chr6:7,574,763, G>A. VCF-style: chr6-7574763-G-A. GRCh37 (hg19) VCF-style: chr6-7574996-G-A.
Other names: c.2404G>A (LRG_423t1); c.2404G>A, p.Asp802Asn (NM_001008844.3, NM_001319034.2); short protein forms D802N.
Identifiers: ClinVar variation 357944 (VCV000357944.17), dbSNP rs770105310, ClinGen allele CA033109.
Genomic context (GRCh38, chr6:7,574,763, plus strand): 5'-GACATGTTAAAGGTTTATGAAGCCAGGCTCACTGAGGAGGAAACTGTCTGCCTGGACCTG[G>A]ATAAAGTGGAAGCTTACCGCTGTGGACTGAAGGTAACTTGAAAGCTTATAACAGTGGCCC-3'
Protein context (NP_004406.2, residues 792-812): TEEETVCLDL[Asp802Asn]KVEAYRCGLK